The following is an entry in ClinVar:

ClinVar aggregate classification (germline): Benign/Likely benign. Review status: criteria provided, multiple submitters, no conflicts (2 of 4 stars). 9 submissions from 9 submitters: Benign (6); Likely benign (3). Last evaluated 2026-01-21.

Conditions:
Hereditary spastic paraplegia. Also called: Familial spastic paraparesis. Identifiers: Orphanet 685, MedGen C0037773, MONDO:0019064. Disease mechanism: loss of function.
Hereditary spastic paraplegia 7 (SPG7). Also called: SPG7-related neurologic disorder; Spastic paraplegia 7; Hereditary spastic paraplegia Paraplegin type; Autosomal recessive spastic paraplegia type 7; SPASTIC PARAPLEGIA 7, AUTOSOMAL RECESSIVE, WITH OR WITHOUT CEREBELLAR ATAXIA. Identifiers: Orphanet 99013, MedGen C1846564, MONDO:0011803, OMIM 607259.

Allele frequency attached by ClinVar (database versions not stated): ESP Exome Variant Server 0.01039; ExAC 0.01312; 1000 Genomes Project 0.00619; 1000 Genomes Project 30x 0.00578; gnomAD 0.01046 and 0.01053; gnomAD exomes 0.01257 and 0.01328; TOPMed 0.00910.
gnomAD v4.1: 20,954 of 1,613,870 alleles (1.3%); highest among the groups gnomAD compares: East Asian, 2.1%; 158 homozygotes.

Submissions (9):

Labcorp Genetics (formerly Invitae), Labcorp
Classification: Benign for Hereditary spastic paraplegia 7. Last evaluated: 2026-01-21. Review status: criteria provided, single submitter. Criteria: Invitae Variant Classification Sherloc (09022015). Collection method: clinical testing. Allele origin: germline.

Blueprint Genetics
Classification: Likely benign. Last evaluated: 2024-11-27. Review status: criteria provided, single submitter. Criteria: ACMG Guidelines, 2015. Collection method: clinical testing. Allele origin: germline.

Mayo Clinic Laboratories, Mayo Clinic
Classification: Benign. Last evaluated: 2024-02-23. Review status: criteria provided, single submitter. Criteria: ACMG Guidelines, 2015. Collection method: clinical testing. Allele origin: germline. Observed: 74 variant alleles.
Comment: BS1, BS2

ARUP Laboratories, Molecular Genetics and Genomics, ARUP Laboratories
Classification: Benign for Hereditary spastic paraplegia 7. Last evaluated: 2023-11-29. Review status: criteria provided, single submitter. Criteria: ARUP Molecular Germline Variant Investigation Process 2024. Collection method: clinical testing. Allele origin: germline.

Genome Diagnostics Laboratory, The Hospital for Sick Children
Classification: Benign for Hereditary spastic paraplegia. Last evaluated: 2021-11-20. Review status: criteria provided, single submitter. Criteria: ACMG Guidelines, 2015. Collection method: clinical testing. Allele origin: germline. Affected: yes.

Illumina Laboratory Services, Illumina
Classification: Likely benign for Hereditary spastic paraplegia 7. Last evaluated: 2018-01-13. Review status: criteria provided, single submitter. Criteria: ICSL Variant Classification Criteria 13 December 2019. Collection method: clinical testing. Allele origin: germline.
Comment: This variant was observed in the ICSL laboratory as part of a predisposition screen in an ostensibly healthy population. It had not been previously curated by ICSL or reported in the Human Gene Mutation Database (HGMD: prior to June 1st, 2018), and was therefore a candidate for classification through an automated scoring system. Utilizing variant allele frequency, disease prevalence and penetrance estimates, and inheritance mode, an automated score was calculated to assess if this variant is too frequent to cause the disease. Based on the score and internal cut-off values, a variant classified as likely benign is not then subjected to further curation. The score for this variant resulted in a classification of likely benign for this disease.

GeneDx
Classification: Benign. Last evaluated: 2013-12-03. Review status: criteria provided, single submitter. Criteria: GeneDx Variant Classification (06012015). Collection method: clinical testing. Allele origin: germline. Affected: yes.
Comment: This variant is considered likely benign or benign based on one or more of the following criteria: it is a conservative change, it occurs at a poorly conserved position in the protein, it is predicted to be benign by multiple in silico algorithms, and/or has population frequency not consistent with disease.

Breakthrough Genomics
Classification: Likely benign. Review status: criteria provided, single submitter. Criteria: ACMG Guidelines, 2015. Collection method: not provided. Allele origin: germline. Inheritance: Autosomal recessive inheritance. Affected: yes.

PreventionGenetics, part of Exact Sciences
Classification: Benign. Review status: criteria provided, single submitter. Criteria: ACMG Guidelines, 2015. Collection method: clinical testing. Allele origin: germline.

NM_003119.4(SPG7):c.2280G>A (p.Pro760=)

Gene: SPG7 (SPG7 matrix AAA peptidase subunit, paraplegin; plus strand). Cytogenetic location: 16q24.3.
Variant type: single nucleotide variant.
Coding change: c.2280G>A on transcript NM_003119.4 (MANE Select); coding-DNA position 2280, G replaced by A.
Protein change: p.Pro760=; no amino-acid change (proline 760 retained).
Molecular consequence: synonymous variant. On other transcripts: 3 prime UTR variant (1).
Genome position (GRCh38, 1-based): chr16:89,556,985, G>A. VCF-style: chr16-89556985-G-A. GRCh37 (hg19) VCF-style: chr16-89623393-G-A.
Other names: p.P760P:CCG>CCA; p.Pro760=; c.*58G>A (NM_001363850.1).
Identifiers: ClinVar variation 139249 (VCV000139249.29), dbSNP rs11559075, ClinGen allele CA293676.